The following is an entry in ClinVar:

ClinVar aggregate classification (germline): Conflicting classifications of pathogenicity. Review status: criteria provided, conflicting classifications (1 of 4 stars). 6 submissions from 6 submitters: Uncertain significance (4); Likely benign (2). Last evaluated 2025-12-01.

Conditions:
Myofibrillar myopathy 5. Also called: Filaminopathy (type); FILAMINOPATHY, AUTOSOMAL DOMINANT. Identifiers: Orphanet 171445, MedGen C1836050, MONDO:0012289, OMIM 609524.
Hypertrophic cardiomyopathy 26. Also called: Cardiomyopathy, familial hypertrophic, 26. Identifiers: Orphanet 75249, MedGen C4310749, MONDO:0014883, OMIM 617047.
Distal myopathy with posterior leg and anterior hand involvement. Also called: WILLIAMS DISTAL MYOPATHY. Identifiers: Orphanet 63273, MedGen C3279722, MONDO:0013550, OMIM 614065.
Cardiovascular phenotype. Identifiers: MedGen CN230736.

Allele frequency attached by ClinVar (database versions not stated): gnomAD 0.00003; TOPMed 0.00004.
gnomAD v4.1: 109 of 1,614,020 alleles (0.0068%); highest among the groups gnomAD compares: South Asian, 0.013%; no homozygotes.

Submissions (6):

Labcorp Genetics (formerly Invitae), Labcorp
Classification: Likely benign for Distal myopathy with posterior leg and anterior hand involvement; Myofibrillar myopathy 5; Hypertrophic cardiomyopathy 26. Last evaluated: 2025-12-01. Review status: criteria provided, single submitter. Criteria: Invitae Variant Classification Sherloc (09022015). Collection method: clinical testing. Allele origin: germline.

GeneDx
Classification: Uncertain significance. Last evaluated: 2025-01-27. Review status: criteria provided, single submitter. Criteria: GeneDx Variant Classification Process June 2021. Collection method: clinical testing. Allele origin: germline. Affected: yes.
Comment: Has not been previously published as pathogenic or benign to our knowledge; In silico analysis supports that this missense variant has a deleterious effect on protein structure/function; This variant is associated with the following publications: (PMID: 37164047)

Ambry Genetics
Classification: Uncertain significance for Cardiovascular phenotype. Last evaluated: 2022-04-28. Review status: criteria provided, single submitter. Criteria: Ambry Variant Classification Scheme 2023. Collection method: clinical testing. Allele origin: germline.
Comment: The p.V491M variant (also known as c.1471G>A), located in coding exon 9 of the FLNC gene, results from a G to A substitution at nucleotide position 1471. The valine at codon 491 is replaced by methionine, an amino acid with highly similar properties. This amino acid position is well conserved in available vertebrate species. In addition, the in silico prediction for this alteration is inconclusive. Since supporting evidence is limited at this time, the clinical significance of this alteration remains unclear.

Fulgent Genetics
Classification: Uncertain significance for Myofibrillar myopathy 5; Distal myopathy with posterior leg and anterior hand involvement; Hypertrophic cardiomyopathy 26. Last evaluated: 2021-09-08. Review status: criteria provided, single submitter. Criteria: ACMG Guidelines, 2015. Collection method: clinical testing. Allele origin: unknown.

Blueprint Genetics
Classification: Likely benign. Last evaluated: 2021-08-02. Review status: criteria provided, single submitter. Criteria: ACMG Guidelines, 2015. Collection method: clinical testing. Allele origin: germline.

Revvity Omics, Revvity
Classification: Uncertain significance. Last evaluated: 2021-06-30. Review status: criteria provided, single submitter. Criteria: ACMG Guidelines, 2015. Collection method: clinical testing. Allele origin: germline.

NM_001458.5(FLNC):c.1471G>A (p.Val491Met)

Gene: FLNC (filamin C; plus strand). Cytogenetic location: 7q32.1.
Variant type: single nucleotide variant.
Coding change: c.1471G>A on transcript NM_001458.5 (MANE Select); coding-DNA position 1471, G replaced by A.
Protein change: p.Val491Met; replaces valine 491 with methionine.
Molecular consequence: missense variant.
Genome position (GRCh38, 1-based): chr7:128,840,082, G>A. VCF-style: chr7-128840082-G-A. GRCh37 (hg19) VCF-style: chr7-128480136-G-A.
Other names: c.1471G>A, p.Val491Met (NM_001127487.2); short protein forms V491M.
Identifiers: ClinVar variation 568601 (VCV000568601.19), dbSNP rs770264114, ClinGen allele CA4474353.